The following is an entry in ClinVar:

NM_001089.3(ABCA3):c.1373T>G (p.Leu458Arg)

Gene: ABCA3 (ATP binding cassette subfamily A member 3; minus strand). Cytogenetic location: 16p13.3.
Variant type: single nucleotide variant.
Coding change: c.1373T>G on transcript NM_001089.3 (MANE Select); coding-DNA position 1373, T replaced by G.
Protein change: p.Leu458Arg; replaces leucine 458 with arginine.
Molecular consequence: missense variant.
Genome position (GRCh38, 1-based): chr16:2,304,063, A>C on the plus strand (T>G on the coding strand, the complement: ABCA3 is on the minus strand). VCF-style: chr16-2304063-A-C. GRCh37 (hg19) VCF-style: chr16-2354064-A-C.
Other names: short protein forms L458R.
Identifiers: ClinVar variation 1516565 (VCV001516565.8), dbSNP rs2141715542, ClinGen allele CA394337556.

ClinVar aggregate classification (germline): Uncertain significance (1 of 4 stars; one submission).

Submission:

Labcorp Genetics (formerly Invitae), Labcorp
Classification: Uncertain significance. Last evaluated: 2024-10-16. Review status: criteria provided, single submitter. Criteria: Invitae Variant Classification Sherloc (09022015). Collection method: clinical testing. Allele origin: germline.
Comment: This sequence change replaces leucine, which is neutral and non-polar, with arginine, which is basic and polar, at codon 458 of the ABCA3 protein (p.Leu458Arg). This variant is not present in population databases (gnomAD no frequency). This missense change has been observed in individual(s) with clinical features of childhood interstitial lung disease (internal data). In at least one individual the data is consistent with being in trans (on the opposite chromosome) from a pathogenic variant. ClinVar contains an entry for this variant (Variation ID: 1516565). Invitae Evidence Modeling of protein sequence and biophysical properties (such as structural, functional, and spatial information, amino acid conservation, physicochemical variation, residue mobility, and thermodynamic stability) has been performed for this missense variant. However, the output from this modeling did not meet the statistical confidence thresholds required to predict the impact of this variant on ABCA3 protein function. In summary, the available evidence is currently insufficient to determine the role of this variant in disease. Therefore, it has been classified as a Variant of Uncertain Significance.